The following is an entry in ClinVar:

ClinVar aggregate classification (germline): Benign/Likely benign. Review status: criteria provided, multiple submitters, no conflicts (2 of 4 stars). 9 submissions from 9 submitters: Benign (1); Likely benign (7). 1 of the submissions does not count toward it. Last evaluated 2026-06-08.

Conditions:
TNXB-related disorder. Also called: TNXB-related condition.
Cardiovascular phenotype. Identifiers: MedGen CN230736.

Allele frequency attached by ClinVar (database versions not stated): gnomAD exomes 0.00026 and 0.00046; ExAC 0.00059; ESP Exome Variant Server 0.00144; TOPMed 0.00195; gnomAD 0.00214 and 0.00220; 1000 Genomes Project 0.00359; 1000 Genomes Project 30x 0.00422.
gnomAD v4.1: 716 of 1,612,790 alleles (0.044%); highest among the groups gnomAD compares: African/African-American, 0.8%; 7 homozygotes.

Submissions (9):

Women's Health and Genetics/Laboratory Corporation of America, LabCorp
Classification: Likely benign. Last evaluated: 2026-06-08. Review status: criteria provided, single submitter. Criteria: LabCorp Variant Classification Summary - May 2015. Collection method: clinical testing. Allele origin: germline.

CeGaT Center for Human Genetics Tuebingen
Classification: Likely benign. Last evaluated: 2026-02-01. Review status: criteria provided, single submitter. Criteria: CeGaT Center For Human Genetics Tuebingen Variant Classification Criteria Version 2. Collection method: clinical testing. Allele origin: germline. Affected: yes. Observed: 1 variant allele.
Comment: TNXB: BP4, BP7

Labcorp Genetics (formerly Invitae), Labcorp
Classification: Benign. Last evaluated: 2026-01-31. Review status: criteria provided, single submitter. Criteria: Invitae Variant Classification Sherloc (09022015). Collection method: clinical testing. Allele origin: germline.

Mayo Clinic Laboratories, Mayo Clinic
Classification: Likely benign. Last evaluated: 2025-07-18. Review status: criteria provided, single submitter. Criteria: ACMG Guidelines, 2015. Collection method: clinical testing. Allele origin: germline. Observed: 2 variant alleles.
Comment: BS1, BP4, BP7

Blueprint Genetics
Classification: Likely benign. Last evaluated: 2024-11-01. Review status: criteria provided, single submitter. Criteria: ACMG Guidelines, 2015. Collection method: clinical testing. Allele origin: germline.

GeneDx
Classification: Likely benign. Last evaluated: 2021-10-18. Review status: criteria provided, single submitter. Criteria: GeneDx Variant Classification Process June 2021. Collection method: clinical testing. Allele origin: germline. Affected: yes.

Ambry Genetics
Classification: Likely benign for Cardiovascular phenotype. Last evaluated: 2020-05-06. Review status: criteria provided, single submitter. Criteria: Ambry Variant Classification Scheme 2023. Collection method: clinical testing. Allele origin: germline.

Breakthrough Genomics
Classification: Likely benign. Review status: criteria provided, single submitter. Criteria: ACMG Guidelines, 2015. Collection method: not provided. Allele origin: germline. Inheritance: Autosomal recessive inheritance. Affected: yes.

PreventionGenetics, part of Exact Sciences
Classification: Likely benign for TNXB-related condition. Last evaluated: 2022-06-09. Review status: no assertion criteria provided. Collection method: clinical testing. Allele origin: germline. Not counted in ClinVar's aggregate classification.
Comment: This variant is classified as likely benign based on ACMG/AMP sequence variant interpretation guidelines (Richards et al. 2015 PMID: 25741868, with internal and published modifications).

NM_001365276.2(TNXB):c.6750G>A (p.Ser2250=)

Gene: TNXB (tenascin XB; minus strand). Cytogenetic location: 6p21.33.
Variant type: single nucleotide variant.
Coding change: c.6750G>A on transcript NM_001365276.2 (MANE Select); coding-DNA position 6750, G replaced by A.
Protein change: p.Ser2250=; no amino-acid change (serine 2250 retained).
Molecular consequence: synonymous variant.
Genome position (GRCh38, 1-based): chr6:32,064,912, C>T on the plus strand (G>A on the coding strand, the complement: TNXB is on the minus strand). VCF-style: chr6-32064912-C-T. GRCh37 (hg19) VCF-style: chr6-32032689-C-T.
Other names: p.Ser2250=; c.6750G>A, p.Ser2250= (NM_019105.8).
Identifiers: ClinVar variation 1191448 (VCV001191448.17), dbSNP rs35206129, ClinGen allele CA3734341.